The following is an entry in ClinVar:

NM_000548.5(TSC2):c.1366G>A (p.Glu456Lys)

Gene: TSC2 (TSC complex subunit 2; plus strand). Cytogenetic location: 16p13.3.
Variant type: single nucleotide variant.
Coding change: c.1366G>A on transcript NM_000548.5 (MANE Select); coding-DNA position 1366, G replaced by A.
Protein change: p.Glu456Lys; replaces glutamic acid 456 with lysine.
Molecular consequence: missense variant.
Genome position (GRCh38, 1-based): chr16:2,062,976, G>A. VCF-style: chr16-2062976-G-A. GRCh37 (hg19) VCF-style: chr16-2112977-G-A.
Other names: c.1366G>A, p.Glu456Lys (NM_001077183.3, NM_001114382.3, NM_001363528.2 and 3 more transcripts); c.1255G>A, p.Glu419Lys (NM_001318827.2); c.1219G>A, p.Glu407Lys (NM_001318829.2); c.766G>A, p.Glu256Lys (NM_001318831.2); c.1399G>A, p.Glu467Lys (NM_001318832.2); short protein forms E456K, E256K, E419K, E407K, E467K.
Identifiers: ClinVar variation 65190 (VCV000065190.21), dbSNP rs397515142, ClinGen allele CA014598.

ClinVar aggregate classification (germline): Benign/Likely benign. Review status: criteria provided, multiple submitters, no conflicts (2 of 4 stars). 9 submissions from 9 submitters: Benign (2); Likely benign (4). 3 of the submissions do not count toward it. Last evaluated 2026-01-19.

Conditions:
Tuberous sclerosis 2 (TSC2). Identifiers: Orphanet 805, MedGen C1860707, MONDO:0013199, OMIM 613254.
Hereditary cancer-predisposing syndrome. Also called: Tumor predisposition; Hereditary Cancer Syndrome; Neoplastic Syndromes, Hereditary; Hereditary neoplastic syndrome. Identifiers: Orphanet 140162, MedGen C0027672, MeSH D009386, MONDO:0015356.
Tuberous sclerosis syndrome (TSC). Also called: Tuberous Sclerosis Complex; Tuberous sclerosis. Identifiers: Orphanet 805, MedGen C0041341, MONDO:0001734.

Allele frequency attached by ClinVar (database versions not stated): gnomAD 0.00001; gnomAD exomes 0.00001 and 0.00003; TOPMed 0.00001; ExAC 0.00005.
gnomAD v4.1: 18 of 1,550,424 alleles (0.0012%); highest among the groups gnomAD compares: Middle Eastern, 0.017%; no homozygotes.

Submissions (9):

Labcorp Genetics (formerly Invitae), Labcorp
Classification: Benign for Tuberous sclerosis 2. Last evaluated: 2026-01-19. Review status: criteria provided, single submitter. Criteria: Invitae Variant Classification Sherloc (09022015). Collection method: clinical testing. Allele origin: germline.

Color Diagnostics, LLC DBA Color Health
Classification: Likely benign for Tuberous sclerosis syndrome. Last evaluated: 2022-09-20. Review status: criteria provided, single submitter. Criteria: ACMG Guidelines, 2015. Collection method: clinical testing. Allele origin: germline.

Genome-Nilou Lab
Classification: Benign for Tuberous sclerosis 2. Last evaluated: 2021-11-07. Review status: criteria provided, single submitter. Criteria: ACMG Guidelines, 2015. Collection method: clinical testing. Allele origin: germline. Affected: no.

Ambry Genetics
Classification: Likely benign for Hereditary cancer-predisposing syndrome. Last evaluated: 2020-01-10. Review status: criteria provided, single submitter. Criteria: Ambry Variant Classification Scheme 2023. Collection method: clinical testing. Allele origin: germline.

GeneDx
Classification: Likely benign. Last evaluated: 2018-07-23. Review status: criteria provided, single submitter. Criteria: GeneDx Variant Classification Process June 2021. Collection method: clinical testing. Allele origin: germline. Affected: yes.
Comment: This variant is associated with the following publications: (PMID: 15798777, 21309039)

Breakthrough Genomics
Classification: Likely benign. Review status: criteria provided, single submitter. Criteria: ACMG Guidelines, 2015. Collection method: not provided. Allele origin: germline. Inheritance: Autosomal dominant inheritance. Affected: yes.

Clinical Genetics DNA and cytogenetics Diagnostics Lab, Erasmus MC, Erasmus Medical Center
Classification: Uncertain significance. Review status: no assertion criteria provided. Collection method: clinical testing. Allele origin: germline. Affected: yes. Study: VKGL Data-share Consensus. Not counted in ClinVar's aggregate classification.

Genome Diagnostics Laboratory, Amsterdam University Medical Center
Classification: Uncertain significance. Review status: no assertion criteria provided. Collection method: clinical testing. Allele origin: germline. Affected: yes. Study: VKGL Data-share Consensus. Not counted in ClinVar's aggregate classification.

Tuberous sclerosis database (TSC2)
No classification provided. Condition: TSC. Review status: no classification provided. Criteria: Tuberous Sclerosis Database Assertion Criteria 2015. Collection method: curation. Allele origin: germline. Affected: yes. Not counted in ClinVar's aggregate classification.

Literature cited by the submitters: PubMed 21309039 (cited by Ambry Genetics).